The following is an entry in ClinVar:

NM_000264.5(PTCH1):c.2854A>G (p.Lys952Glu)

Gene: PTCH1 (patched 1; minus strand). Cytogenetic location: 9q22.32.
Variant type: single nucleotide variant.
Coding change: c.2854A>G on transcript NM_000264.5 (MANE Select); coding-DNA position 2854, A replaced by G.
Protein change: p.Lys952Glu; replaces lysine 952 with glutamic acid.
Molecular consequence: missense variant. On other transcripts: non-coding transcript variant (1).
Genome position (GRCh38, 1-based): chr9:95,459,633, T>C on the plus strand (A>G on the coding strand, the complement: PTCH1 is on the minus strand). VCF-style: chr9-95459633-T-C. GRCh37 (hg19) VCF-style: chr9-98221915-T-C.
Other names: c.2656A>G, p.Lys886Glu (NM_001083602.3); c.2851A>G, p.Lys951Glu (NM_001083603.3); c.2401A>G, p.Lys801Glu (NM_001083604.3, NM_001083605.3, NM_001083606.3 and 1 more transcripts); c.2698A>G, p.Lys900Glu (NM_001354918.2); short protein forms K886E, K952E, K801E, K951E, K900E.
Identifiers: ClinVar variation 1796871 (VCV001796871.2), dbSNP rs2538078312, ClinGen allele CA374112938.

ClinVar aggregate classification (germline): Uncertain significance (1 of 4 stars; one submission).

Conditions:
Hereditary cancer-predisposing syndrome. Also called: Tumor predisposition; Hereditary Cancer Syndrome; Neoplastic Syndromes, Hereditary; Hereditary neoplastic syndrome. Identifiers: Orphanet 140162, MedGen C0027672, MeSH D009386, MONDO:0015356.

Submission:

Ambry Genetics
Classification: Uncertain significance for Hereditary cancer-predisposing syndrome. Last evaluated: 2022-01-05. Review status: criteria provided, single submitter. Criteria: Ambry Variant Classification Scheme 2023. Collection method: clinical testing. Allele origin: germline.
Comment: The p.K952E variant (also known as c.2854A>G), located in coding exon 17 of the PTCH1 gene, results from an A to G substitution at nucleotide position 2854. The lysine at codon 952 is replaced by glutamic acid, an amino acid with similar properties. This amino acid position is conserved. In addition, the in silico prediction for this alteration is inconclusive. Since supporting evidence is limited at this time, the clinical significance of this alteration remains unclear.